The following is an entry in ClinVar:

NM_004817.4(TJP2):c.3527G>A (p.Arg1176His)

Gene: TJP2 (tight junction protein 2; plus strand). Cytogenetic location: 9q21.11.
Variant type: single nucleotide variant.
Coding change: c.3527G>A on transcript NM_004817.4 (MANE Select); coding-DNA position 3527, G replaced by A.
Protein change: p.Arg1176His; replaces arginine 1176 with histidine.
Molecular consequence: missense variant.
Genome position (GRCh38, 1-based): chr9:69,254,328, G>A. VCF-style: chr9-69254328-G-A. GRCh37 (hg19) VCF-style: chr9-71869244-G-A.
Other names: c.3017G>A, p.Arg1006His (NM_001170414.2); c.3428G>A, p.Arg1143His (NM_001170415.1); c.3620G>A, p.Arg1207His (NM_001170416.2); c.3452G>A, p.Arg1151His (NM_001369870.1); c.3458G>A, p.Arg1153His (NM_001369871.1); c.3416G>A, p.Arg1139His (NM_001369872.1); c.3203G>A, p.Arg1068His (NM_001369873.1); c.3098G>A, p.Arg1033His (NM_001369874.1); and 2 more; short protein forms R1006H, R1029H, R1033H, R1068H, R1139H, R1143H, R1151H, R1153H.
Identifiers: ClinVar variation 1712615 (VCV001712615.6), dbSNP rs1037430967, ClinGen allele CA193389345.

ClinVar aggregate classification (germline): Uncertain significance. Review status: criteria provided, multiple submitters, no conflicts (2 of 4 stars). 2 submissions from 2 submitters: Uncertain significance (2). Last evaluated 2026-09-09.

Conditions:
Inborn genetic diseases. Identifiers: MedGen C0950123, MeSH D030342.

Allele frequency attached by ClinVar (database versions not stated): gnomAD 0.00001; gnomAD exomes 0.00001; TOPMed 0.00001.
gnomAD v4.1: 20 of 1,614,124 alleles (0.0012%); highest among the groups gnomAD compares: Middle Eastern, 0.033%; no homozygotes.

Submissions (2):

GeneDx
Classification: Uncertain significance. Last evaluated: 2026-09-09. Review status: criteria provided, single submitter. Criteria: GeneDx Variant Classification Process June 2021. Collection method: clinical testing. Allele origin: germline.
Comment: Not observed at significant frequency in large population cohorts (gnomAD); In silico analysis supports that this missense variant does not alter protein structure/function; Has not been previously published as pathogenic or benign to our knowledge

Ambry Genetics
Classification: Uncertain significance for Inborn genetic diseases. Last evaluated: 2022-04-08. Review status: criteria provided, single submitter. Criteria: Ambry Variant Classification Scheme 2023. Collection method: clinical testing. Allele origin: germline.